The following is an entry in ClinVar:

NM_000548.5(TSC2):c.4494-11dup

Gene: TSC2 (TSC complex subunit 2; plus strand). Cytogenetic location: 16p13.3.
Variant type: Duplication.
Coding change: c.4494-11dup on transcript NM_000548.5 (MANE Select); 11 bases into the intron before coding-DNA position 4494, one base duplicated (T; older notation c.4494-11dupT).
Molecular consequence: intron variant.
Genome position (GRCh38, 1-based): chr16:2,084,940, T duplicated. VCF-style (leftmost placement, unchanged base first): chr16-2084939-C-CT. GRCh37 (hg19) VCF-style: chr16-2134940-C-CT.
Other names: c.4494-11dupT (NM_000548.3); c.4425-11dup (NM_001114382.3); c.4365-11dup (NM_021055.3, NM_001370405.1); c.4296-11dup (NM_001363528.2); c.4362-11dup (NM_001370404.1); c.4293-11dup (NM_001077183.3); c.4185-11dup (NM_001318827.2); c.3762-11dup (NM_001318831.2); and 2 more.
Identifiers: ClinVar variation 513370 (VCV000513370.10), dbSNP rs770333078, ClinGen allele CA051379.
Genomic context (GRCh38, chr16:2,084,939, plus strand): 5'-GTTCCTCCCTGTGGGCTGTGGCTGCCCTGGCCAGGCCCTCACCTGGGTGCCCACCATCCC[C>CT]TCCCTGTGCAGTTTCGTGTTCCTGCAGCTCTACCATTCCCCCTTCTTTGGCGACGAGTCA-3'

ClinVar aggregate classification (germline): Likely benign. Review status: criteria provided, multiple submitters, no conflicts (2 of 4 stars). 5 submissions from 5 submitters: Likely benign (5). Last evaluated 2026-01-28.

Conditions:
Tuberous sclerosis 2 (TSC2). Identifiers: Orphanet 805, MedGen C1860707, MONDO:0013199, OMIM 613254.
Tuberous sclerosis syndrome (TSC). Also called: Tuberous Sclerosis Complex; Tuberous sclerosis. Identifiers: Orphanet 805, MedGen C0041341, MONDO:0001734.

Allele frequency attached by ClinVar (database versions not stated): gnomAD exomes below 0.00001 and 0.00002; TOPMed below 0.00001; ExAC 0.00001.

Submissions (5):

Labcorp Genetics (formerly Invitae), Labcorp
Classification: Likely benign for Tuberous sclerosis 2. Last evaluated: 2026-01-28. Review status: criteria provided, single submitter. Criteria: Invitae Variant Classification Sherloc (09022015). Collection method: clinical testing. Allele origin: germline.

Myriad Genetics, Inc.
Classification: Likely benign for Tuberous sclerosis 2. Last evaluated: 2025-06-03. Review status: criteria provided, single submitter. Criteria: Myriad Autosomal Dominant, Autosomal Recessive and X-Linked Classification Criteria (2023). Collection method: clinical testing. Allele origin: unknown.
Comment: This variant is considered likely benign. This variant is intronic and is not expected to impact mRNA splicing.

Blueprint Genetics
Classification: Likely benign. Last evaluated: 2024-10-11. Review status: criteria provided, single submitter. Criteria: ACMG Guidelines, 2015. Collection method: clinical testing. Allele origin: germline.

Color Diagnostics, LLC DBA Color Health
Classification: Likely benign for Tuberous sclerosis syndrome. Last evaluated: 2022-11-08. Review status: criteria provided, single submitter. Criteria: ACMG Guidelines, 2015. Collection method: clinical testing. Allele origin: germline.

GeneDx
Classification: Likely benign. Last evaluated: 2017-11-14. Review status: criteria provided, single submitter. Criteria: GeneDx Variant Classification (06012015). Collection method: clinical testing. Allele origin: germline. Affected: yes.
Comment: This variant is considered likely benign or benign based on one or more of the following criteria: it is a conservative change, it occurs at a poorly conserved position in the protein, it is predicted to be benign by multiple in silico algorithms, and/or has population frequency not consistent with disease.